The following is an entry in ClinVar:

ClinVar aggregate classification (germline): Uncertain significance. Review status: criteria provided, multiple submitters, no conflicts (2 of 4 stars). 2 submissions from 2 submitters: Uncertain significance (2). Last evaluated 2023-02-28.

Conditions:
Inborn genetic diseases. Identifiers: MedGen C0950123, MeSH D030342.
Autosomal recessive spinocerebellar ataxia 12. Also called: SPINOCEREBELLAR ATAXIA WITH MENTAL RETARDATION AND EPILEPSY. Identifiers: Orphanet 284282, MedGen C3280452, MONDO:0013687, OMIM 614322.
Developmental and epileptic encephalopathy, 1 (DEE1). Also called: X-linked infantile spasms; West's syndrome; Tonic spasms with clustering, arrest of psychomotor development and hypsarrhythmia on EEG; X-Linked Infantile Spasm Syndrome; OHTAHARA SYNDROME, X-LINKED; INFANTILE SPASM SYNDROME, X-LINKED 1. Identifiers: MedGen C3463992, MONDO:0010632, OMIM 308350. Disease mechanism: loss of function.

Allele frequency attached by ClinVar (database versions not stated): gnomAD exomes 0.00001 and 0.00010; gnomAD 0.00005; TOPMed 0.00006; ExAC 0.00007; 1000 Genomes Project 30x 0.00016; 1000 Genomes Project 0.00020.
gnomAD v4.1: 24 of 1,614,132 alleles (0.0015%); highest among the groups gnomAD compares: East Asian, 0.051%; no homozygotes.

Submissions (2):

Ambry Genetics
Classification: Uncertain significance for Inborn genetic diseases. Last evaluated: 2023-02-28. Review status: criteria provided, single submitter. Criteria: Ambry Variant Classification Scheme 2023. Collection method: clinical testing. Allele origin: germline.

Labcorp Genetics (formerly Invitae), Labcorp
Classification: Uncertain significance for Developmental and epileptic encephalopathy, 1; Autosomal recessive spinocerebellar ataxia 12. Last evaluated: 2022-08-23. Review status: criteria provided, single submitter. Criteria: Invitae Variant Classification Sherloc (09022015). Collection method: clinical testing. Allele origin: germline.
Comment: This sequence change replaces alanine, which is neutral and non-polar, with threonine, which is neutral and polar, at codon 149 of the WWOX protein (p.Ala149Thr). This variant is present in population databases (rs200820063, gnomAD 0.1%). This variant has not been reported in the literature in individuals affected with WWOX-related conditions. ClinVar contains an entry for this variant (Variation ID: 578714). Algorithms developed to predict the effect of missense changes on protein structure and function are either unavailable or do not agree on the potential impact of this missense change (SIFT: "Not Available"; PolyPhen-2: "Probably Damaging"; Align-GVGD: "Not Available"). In summary, the available evidence is currently insufficient to determine the role of this variant in disease. Therefore, it has been classified as a Variant of Uncertain Significance.

NM_016373.4(WWOX):c.445G>A (p.Ala149Thr)

Gene: WWOX (WW domain containing oxidoreductase; plus strand). Cytogenetic location: 16q23.1.
Variant type: single nucleotide variant.
Coding change: c.445G>A on transcript NM_016373.4 (MANE Select); coding-DNA position 445, G replaced by A.
Protein change: p.Ala149Thr; replaces alanine 149 with threonine.
Molecular consequence: missense variant. On other transcripts: non-coding transcript variant (1).
Genome position (GRCh38, 1-based): chr16:78,164,218, G>A. VCF-style: chr16-78164218-G-A. GRCh37 (hg19) VCF-style: chr16-78198115-G-A.
Other names: c.106G>A, p.Ala36Thr (NM_001291997.2); c.445G>A, p.Ala149Thr (NM_130791.5); c.445G>A (NM_016373.2); short protein forms A149T, A36T.
Identifiers: ClinVar variation 578714 (VCV000578714.7), dbSNP rs200820063, ClinGen allele CA8183222.